The following is an entry in ClinVar:

NM_006218.4(PIK3CA):c.758A>C (p.Lys253Thr)

Gene: PIK3CA (phosphatidylinositol-4,5-bisphosphate 3-kinase catalytic subunit alpha; plus strand). Cytogenetic location: 3q26.32.
Variant type: single nucleotide variant.
Coding change: c.758A>C on transcript NM_006218.4 (MANE Select); coding-DNA position 758, A replaced by C.
Protein change: p.Lys253Thr; replaces lysine 253 with threonine.
Molecular consequence: missense variant.
Genome position (GRCh38, 1-based): chr3:179,201,485, A>C. VCF-style: chr3-179201485-A-C. GRCh37 (hg19) VCF-style: chr3-178919273-A-C.
Other names: short protein forms K253T.
Identifiers: ClinVar variation 3348697 (VCV003348697.1).

ClinVar aggregate classification (germline): Uncertain significance (0 of 4 stars; one submission).

Conditions:
PIK3CA-related disorder. Also called: PIK3CA- related disease; PIK3CA-related condition; PIK3CA-related disorders.

gnomAD v4.1: 1 of 1,611,778 alleles (0.000062%); highest among the groups gnomAD compares: Non-Finnish European, 0.000085%; no homozygotes.

Submission:

PreventionGenetics, part of Exact Sciences
Classification: Uncertain significance for PIK3CA-related condition. Last evaluated: 2024-04-11. Review status: no assertion criteria provided. Collection method: clinical testing. Allele origin: germline.
Comment: The PIK3CA c.758A>C variant is predicted to result in the amino acid substitution p.Lys253Thr. To our knowledge, this variant has not been reported in the literature or in a large population database, indicating this variant is rare. At this time, the clinical significance of this variant is uncertain due to the absence of conclusive functional and genetic evidence.